The following is an entry in ClinVar:

NM_018122.5(DARS2):c.1352dup (p.Leu451fs)

Gene: DARS2 (aspartyl-tRNA synthetase 2, mitochondrial; plus strand). Cytogenetic location: 1q25.1.
Variant type: Duplication.
Coding change: c.1352dup on transcript NM_018122.5 (MANE Select); coding-DNA position 1352, one base duplicated (T; older notation c.1352dupT).
Protein change: p.Leu451fs; shifts the reading frame from leucine 451.
Molecular consequence: frameshift variant.
Genome position (GRCh38, 1-based): chr1:173,853,356, T duplicated; the last of 3 consecutive T bases (chr1:173,853,354-173,853,356); duplicating any one gives the same sequence. VCF-style (leftmost placement, unchanged base first): chr1-173853353-C-CT. GRCh37 (hg19) VCF-style: chr1-173822491-C-CT.
Other names: c.1199dup, p.Leu400fs (NM_001365212.1); short protein forms L400fs, L451fs.
Identifiers: ClinVar variation 1075158 (VCV001075158.5), dbSNP rs1169437542, ClinGen allele CA2499214321.

ClinVar aggregate classification (germline): Pathogenic (1 of 4 stars; one submission).

Submission:

Labcorp Genetics (formerly Invitae), Labcorp
Classification: Pathogenic. Last evaluated: 2020-05-07. Review status: criteria provided, single submitter. Criteria: Invitae Variant Classification Sherloc (09022015). Collection method: clinical testing. Allele origin: germline.
Comment: Loss-of-function variants in DARS2 are known to be pathogenic (PMID: 17384640, 24566671). This variant has not been reported in the literature in individuals with DARS2-related conditions. This variant is not present in population databases (ExAC no frequency). This sequence change creates a premature translational stop signal (p.Leu451Phefs*11) in the DARS2 gene. It is expected to result in an absent or disrupted protein product. For these reasons, this variant has been classified as Pathogenic.

Literature cited by the submitters: PubMed 17384640; PubMed 24566671.